The following is an entry in ClinVar:

NM_033380.3(COL4A5):c.3826_3827delinsAT (p.Gly1276Ile)

Gene: COL4A5 (collagen type IV alpha 5 chain; plus strand). Cytogenetic location: Xq22.3.
Variant type: Indel.
Coding change: c.3826_3827delinsAT on transcript NM_033380.3 (MANE Select); coding-DNA positions 3826 to 3827, GG replaced by AT.
Protein change: p.Gly1276Ile; replaces glycine 1276 with isoleucine.
Molecular consequence: missense variant.
Genome position (GRCh38, 1-based): chrX:108,677,517-108,677,518, GG replaced by AT. VCF-style: chrX-108677517-GG-AT. GRCh37 (hg19) VCF-style: chrX-107920747-GG-AT.
Other names: c.3808_3809delinsAT, p.Gly1270Ile (NM_000495.5); short protein forms G1270I, G1276I.
Identifiers: ClinVar variation 3031549 (VCV003031549.2), dbSNP rs2524602289, ClinGen allele CA2740092258.

ClinVar aggregate classification (germline): Likely pathogenic (0 of 4 stars; one submission).

Conditions:
COL4A5-related disorder. Also called: COL4A5-related condition.

Submission:

PreventionGenetics, part of Exact Sciences
Classification: Likely pathogenic for COL4A5-related condition. Last evaluated: 2023-10-26. Review status: no assertion criteria provided. Collection method: clinical testing. Allele origin: germline.
Comment: The COL4A5 c.3808_3809delinsAT variant is predicted to result in an in-frame deletion and insertion. To our knowledge, this variant has not been reported in the literature or in a large population database, indicating this variant is rare. Alternate substitutions of this amino acid (p.Gly1270Ser) have been reported in the hemizygous state in individuals with Alport syndrome (Lemmink et al. 1997. PubMed ID: 9195222; Boeckhaus et al. 2020. PubMed ID: 33040356). The p.Gly1270 residue resides in the triple-helical region (residues 42 – 1456) of the COL4A5 protein. The majority of pathogenic variants in COL4A5 substitute a glycine residue to a bulkier amino acid in the triple-helical domain (Hudson et al. 1993. PubMed ID: 8253711). Given the evidence, we interpret this variant as likely pathogenic.